The following is an entry in ClinVar:

ClinVar aggregate classification (germline): Benign (1 of 4 stars; one submission).

Conditions:
Amyotrophic neuralgia (HNA). Also called: AMYOTROPHY, HEREDITARY NEURALGIC; AMYOTROPHY, HEREDITARY NEURALGIC, WITH PREDILECTION FOR BRACHIAL PLEXUS; Hereditary Brachial Plexus Neuropathy; Neuritis with Brachial Predilection. Identifiers: Orphanet 2901, MedGen C1834304, MONDO:0008076, OMIM 162100.

Allele frequency attached by ClinVar (database versions not stated): ExAC 0.00025; TOPMed 0.00154; 1000 Genomes Project 30x 0.00016; 1000 Genomes Project 0.00020; ESP Exome Variant Server 0.00016; gnomAD exomes 0.00028.
gnomAD v4.1: 580 of 1,602,182 alleles (0.036%); highest among the groups gnomAD compares: Admixed American, 0.039%; 6 homozygotes.

Submission:

Illumina Laboratory Services, Illumina
Classification: Benign for Amyotrophy, hereditary neuralgic. Last evaluated: 2018-01-13. Review status: criteria provided, single submitter. Criteria: ICSL Variant Classification Criteria 13 December 2019. Collection method: clinical testing. Allele origin: germline.
Comment: This variant was observed in the ICSL laboratory as part of a predisposition screen in an ostensibly healthy population. It had not been previously curated by ICSL or reported in the Human Gene Mutation Database (HGMD: prior to June 1st, 2018), and was therefore a candidate for classification through an automated scoring system. Utilizing variant allele frequency, disease prevalence and penetrance estimates, and inheritance mode, an automated score was calculated to assess if this variant is too frequent to cause the disease. Based on the score and internal cut-off values, a variant classified as benign is not then subjected to further curation. The score for this variant resulted in a classification of benign for this disease.

NM_001113491.2(SEPTIN9):c.*2C>T

Gene: SEPTIN9 (septin 9; plus strand). Cytogenetic location: 17q25.3.
Variant type: single nucleotide variant.
Coding change: c.*2C>T on transcript NM_001113491.2 (MANE Select); 2 bases downstream of the stop codon, C replaced by T.
Molecular consequence: 3 prime UTR variant.
Genome position (GRCh38, 1-based): chr17:77,498,660, C>T. VCF-style: chr17-77498660-C-T. GRCh37 (hg19) VCF-style: chr17-75494742-C-T.
Other names: c.*2C>T (NM_001113492.2, NM_001113493.2, NM_001113494.1 and 7 more transcripts).
Identifiers: ClinVar variation 889166 (VCV000889166.4), dbSNP rs371665779, ClinGen allele CA8793934.
Genomic context (GRCh38, chr17:77,498,660, plus strand): 5'-GCAGCAGCGCCATGGCCAACGGCATGGAGGAGAAGGAGCCAGAAGCCCCGGAGATGTAGA[C>T]GCCACCCTGCCCACCCCCGGGATCCTGCCCCCAAGTCATTTCCGTCCCCCCCCAGGCCCT-3'